The following is an entry in ClinVar:

ClinVar aggregate classification (germline): Uncertain significance (1 of 4 stars; one submission).

Allele frequency attached by ClinVar (database versions not stated): gnomAD exomes 0.00001.
gnomAD v4.1: 4 of 1,613,956 alleles (0.00025%); highest among the groups gnomAD compares: Non-Finnish European, 0.00034%; no homozygotes.

Submission:

Labcorp Genetics (formerly Invitae), Labcorp
Classification: Uncertain significance. Last evaluated: 2022-11-21. Review status: criteria provided, single submitter. Criteria: Invitae Variant Classification Sherloc (09022015). Collection method: clinical testing. Allele origin: germline.
Comment: In summary, the available evidence is currently insufficient to determine the role of this variant in disease. Therefore, it has been classified as a Variant of Uncertain Significance. Advanced modeling of protein sequence and biophysical properties (such as structural, functional, and spatial information, amino acid conservation, physicochemical variation, residue mobility, and thermodynamic stability) performed at Invitae indicates that this missense variant is not expected to disrupt ADGRV1 protein function. ClinVar contains an entry for this variant (Variation ID: 1477709). This variant has not been reported in the literature in individuals affected with ADGRV1-related conditions. This variant is not present in population databases (gnomAD no frequency). This sequence change replaces serine, which is neutral and polar, with phenylalanine, which is neutral and non-polar, at codon 5225 of the ADGRV1 protein (p.Ser5225Phe).

NM_032119.4(ADGRV1):c.15674C>T (p.Ser5225Phe)

Gene: ADGRV1 (adhesion G protein-coupled receptor V1; plus strand). Cytogenetic location: 5q14.3.
Variant type: single nucleotide variant.
Coding change: c.15674C>T on transcript NM_032119.4 (MANE Select); coding-DNA position 15674, C replaced by T.
Protein change: p.Ser5225Phe; replaces serine 5225 with phenylalanine.
Molecular consequence: missense variant. On other transcripts: non-coding transcript variant (1).
Genome position (GRCh38, 1-based): chr5:90,810,934, C>T. VCF-style: chr5-90810934-C-T. GRCh37 (hg19) VCF-style: chr5-90106751-C-T.
Other names: short protein forms S5225F.
Identifiers: ClinVar variation 1477709 (VCV001477709.8), dbSNP rs1762384621, ClinGen allele CA360410449.
Genomic context (GRCh38, chr5:90,810,934, plus strand): 5'-CTGATGTGGCCACTGTAACTGCCAATGTTTCCATTCATGGAACATTCAGCCTTGGGCCAT[C>T]CATTGTTTATATTGAAGAGGAGATGAAGAATGGCACATTCAACACTGCAGAAGTTCTTAT-3'
Protein context (NP_115495.3, residues 5215-5235): SIHGTFSLGP[Ser5225Phe]IVYIEEEMKN